The following is an entry in ClinVar:

ClinVar aggregate classification (germline): Uncertain significance (1 of 4 stars; one submission).

Allele frequency attached by ClinVar (database versions not stated): gnomAD exomes below 0.00001.
gnomAD v4.1: 1 of 1,551,704 alleles (0.000064%); highest among the groups gnomAD compares: Non-Finnish European, 0.000087%; no homozygotes.

Submission:

Labcorp Genetics (formerly Invitae), Labcorp
Classification: Uncertain significance. Last evaluated: 2022-07-26. Review status: criteria provided, single submitter. Criteria: Invitae Variant Classification Sherloc (09022015). Collection method: clinical testing. Allele origin: germline.
Comment: In summary, the available evidence is currently insufficient to determine the role of this variant in disease. Therefore, it has been classified as a Variant of Uncertain Significance. Algorithms developed to predict the effect of missense changes on protein structure and function are either unavailable or do not agree on the potential impact of this missense change (SIFT: "Tolerated"; PolyPhen-2: "Probably Damaging"; Align-GVGD: "Class C0"). ClinVar contains an entry for this variant (Variation ID: 1378741). This variant has not been reported in the literature in individuals affected with ZSWIM6-related conditions. This variant is not present in population databases (gnomAD no frequency). This sequence change replaces methionine, which is neutral and non-polar, with threonine, which is neutral and polar, at codon 705 of the ZSWIM6 protein (p.Met705Thr).

NM_020928.2(ZSWIM6):c.2114T>C (p.Met705Thr)

Gene: ZSWIM6 (zinc finger SWIM-type containing 6; plus strand). Cytogenetic location: 5q12.1.
Variant type: single nucleotide variant.
Coding change: c.2114T>C on transcript NM_020928.2 (MANE Select); coding-DNA position 2114, T replaced by C.
Protein change: p.Met705Thr; replaces methionine 705 with threonine.
Molecular consequence: missense variant.
Genome position (GRCh38, 1-based): chr5:61,531,594, T>C. VCF-style: chr5-61531594-T-C. GRCh37 (hg19) VCF-style: chr5-60827421-T-C.
Other names: short protein forms M705T.
Identifiers: ClinVar variation 1378741 (VCV001378741.6), dbSNP rs2112277174, ClinGen allele CA359944609.